The following is an entry in ClinVar:

NM_006361.6(HOXB13):c.218C>A (p.Thr73Lys)

Gene: HOXB13 (homeobox B13; minus strand). Cytogenetic location: 17q21.32.
Variant type: single nucleotide variant.
Coding change: c.218C>A on transcript NM_006361.6 (MANE Select); coding-DNA position 218, C replaced by A.
Protein change: p.Thr73Lys; replaces threonine 73 with lysine.
Molecular consequence: missense variant.
Genome position (GRCh38, 1-based): chr17:48,728,376, G>T on the plus strand (C>A on the coding strand, the complement: HOXB13 is on the minus strand). VCF-style: chr17-48728376-G-T. GRCh37 (hg19) VCF-style: chr17-46805738-G-T.
Other names: short protein forms T73K.
Identifiers: ClinVar variation 690636 (VCV000690636.6), dbSNP rs763353615, ClinGen allele CA400107902.

ClinVar aggregate classification (germline): Conflicting classifications of pathogenicity. Review status: criteria provided, conflicting classifications (1 of 4 stars). 3 submissions from 3 submitters: Uncertain significance (1); Likely benign (1). 1 of the submissions does not count toward it. Last evaluated 2025-01-09.

Conditions:
Hereditary cancer-predisposing syndrome. Also called: Neoplastic Syndromes, Hereditary; Tumor predisposition; Hereditary neoplastic syndrome; Hereditary Cancer Syndrome. Identifiers: Orphanet 140162, MedGen C0027672, MeSH D009386, MONDO:0015356.
Prostate cancer, hereditary, 1 (HPC1). Identifiers: Orphanet 1331, MedGen C4722327, MONDO:0011098, OMIM 601518.

Allele frequency attached by ClinVar (database versions not stated): TOPMed below 0.00001.
gnomAD v4.1: 4 of 1,613,848 alleles (0.00025%); highest among the groups gnomAD compares: Non-Finnish European, 0.00025%; no homozygotes.

Submissions (3):

Ambry Genetics
Classification: Likely benign for Hereditary cancer-predisposing syndrome. Last evaluated: 2025-01-09. Review status: criteria provided, single submitter. Criteria: Ambry Variant Classification Scheme 2023. Collection method: clinical testing. Allele origin: germline.

Labcorp Genetics (formerly Invitae), Labcorp
Classification: Uncertain significance. Last evaluated: 2024-08-29. Review status: criteria provided, single submitter. Criteria: Invitae Variant Classification Sherloc (09022015). Collection method: clinical testing. Allele origin: germline.
Comment: This sequence change replaces threonine, which is neutral and polar, with lysine, which is basic and polar, at codon 73 of the HOXB13 protein (p.Thr73Lys). The frequency data for this variant in the population databases is considered unreliable, as metrics indicate poor data quality at this position in the gnomAD database. This variant has not been reported in the literature in individuals affected with HOXB13-related conditions. ClinVar contains an entry for this variant (Variation ID: 690636). Invitae Evidence Modeling of protein sequence and biophysical properties (such as structural, functional, and spatial information, amino acid conservation, physicochemical variation, residue mobility, and thermodynamic stability) indicates that this missense variant is not expected to disrupt HOXB13 protein function with a negative predictive value of 80%. In summary, the available evidence is currently insufficient to determine the role of this variant in disease. Therefore, it has been classified as a Variant of Uncertain Significance.

Laboratory of Virology, Microbiology,  Quality and Medical Biotechnologies, Faculty of Sciences and Techniques - Mohammedia, Hassan II University of Casablanca
Classification: Uncertain significance for Prostate cancer, hereditary, 1. Review status: no assertion criteria provided. Collection method: clinical testing. Allele origin: somatic. Affected: yes. Not counted in ClinVar's aggregate classification.